The following is an entry in ClinVar:

NM_000051.4(ATM):c.6438T>A (p.Ser2146Arg)

Genes: ATM (ATM serine/threonine kinase; plus strand), C11orf65 (chromosome 11 open reading frame 65; minus strand). Cytogenetic location: 11q22.3.
Variant type: single nucleotide variant.
Coding change: c.6438T>A on transcript NM_000051.4 (MANE Select); coding-DNA position 6438, T replaced by A.
Protein change: p.Ser2146Arg; replaces serine 2146 with arginine.
Molecular consequence: missense variant. On other transcripts: intron variant (2).
Genome position (GRCh38, 1-based): chr11:108,320,044, T>A. VCF-style: chr11-108320044-T-A. GRCh37 (hg19) VCF-style: chr11-108190771-T-A.
Other names: c.6438T>A, p.Ser2146Arg (NM_001351834.2); c.641-10973A>T (NM_001330368.2); c.*39-10973A>T (NM_001351110.2); short protein forms S2146R.
Identifiers: ClinVar variation 481237 (VCV000481237.12), dbSNP rs748544160, ClinGen allele CA6265934.

ClinVar aggregate classification (germline): Uncertain significance. Review status: criteria provided, multiple submitters, no conflicts (2 of 4 stars). 2 submissions from 2 submitters: Uncertain significance (2). Last evaluated 2024-05-08.

Conditions:
Hereditary cancer-predisposing syndrome. Also called: Neoplastic Syndromes, Hereditary; Hereditary Cancer Syndrome; Tumor predisposition; Hereditary neoplastic syndrome. Identifiers: Orphanet 140162, MedGen C0027672, MeSH D009386, MONDO:0015356.
Ataxia-telangiectasia syndrome (AT). Also called: LOUIS-BAR SYNDROME; Cerebello-oculocutaneous telangiectasia; Immunodeficiency with ataxia telangiectasia; Ataxia-telangiectasia, complementation group D; AT, COMPLEMENTATION GROUP C; Ataxia-telangiectasia, complementation group E. Identifiers: Orphanet 100, MedGen C0004135, MONDO:0008840, OMIM 208900.

Allele frequency attached by ClinVar (database versions not stated): gnomAD exomes below 0.00001; ExAC 0.00001.
gnomAD v4.1: 2 of 1,596,560 alleles (0.00013%); highest among the groups gnomAD compares: Non-Finnish European, 0.00017%; no homozygotes.

Submissions (2):

Ambry Genetics
Classification: Uncertain significance for Hereditary cancer-predisposing syndrome. Last evaluated: 2024-05-08. Review status: criteria provided, single submitter. Criteria: Ambry Variant Classification Scheme 2023. Collection method: clinical testing. Allele origin: germline.
Comment: The p.S2146R variant (also known as c.6438T>A), located in coding exon 43 of the ATM gene, results from a T to A substitution at nucleotide position 6438. The serine at codon 2146 is replaced by arginine, an amino acid with dissimilar properties. This amino acid position is poorly conserved in available vertebrate species. In addition, this alteration is predicted to be tolerated by in silico analysis. Since supporting evidence is limited at this time, the clinical significance of this alteration remains unclear.

Labcorp Genetics (formerly Invitae), Labcorp
Classification: Uncertain significance for Ataxia-telangiectasia syndrome. Last evaluated: 2024-02-22. Review status: criteria provided, single submitter. Criteria: Invitae Variant Classification Sherloc (09022015). Collection method: clinical testing. Allele origin: germline.
Comment: This sequence change replaces serine, which is neutral and polar, with arginine, which is basic and polar, at codon 2146 of the ATM protein (p.Ser2146Arg). This variant is present in population databases (rs748544160, gnomAD 0.0009%). This variant has not been reported in the literature in individuals affected with ATM-related conditions. ClinVar contains an entry for this variant (Variation ID: 481237). An algorithm developed to predict the effect of missense changes on protein structure and function (PolyPhen-2) suggests that this variant is likely to be tolerated. In summary, the available evidence is currently insufficient to determine the role of this variant in disease. Therefore, it has been classified as a Variant of Uncertain Significance.